The following is an entry in ClinVar:

NM_000077.5(CDKN2A):c.199G>C (p.Gly67Arg)

Gene: CDKN2A (cyclin dependent kinase inhibitor 2A; minus strand). Cytogenetic location: 9p21.3.
Variant type: single nucleotide variant.
Coding change: c.199G>C on transcript NM_000077.5; coding-DNA position 199, G replaced by C.
Protein change: p.Gly67Arg; replaces glycine 67 with arginine.
Molecular consequence: missense variant (on NM_000077.6). On other transcripts: 3 prime UTR variant (1).
Genome position (GRCh38, 1-based): chr9:21,971,160, C>G on the plus strand (G>C on the coding strand, the complement: CDKN2A is on the minus strand). VCF-style: chr9-21971160-C-G. GRCh37 (hg19) VCF-style: chr9-21971159-C-G.
Other names: c.199G>C, p.Gly67Arg (NM_000077.6, NM_001195132.2); c.46G>C, p.Gly16Arg (NM_001363763.2); c.242G>C, p.Arg81Pro (NM_058195.4); c.*122G>C (NM_058197.5); short protein forms G67R, R81P, G16R.
Identifiers: ClinVar variation 216272 (VCV000216272.21), dbSNP rs758389471, ClinGen allele CA336563.
Genomic context (GRCh38, chr9:21,971,160, plus strand): 5'-GGGCAGCGTCGTGCACGGGTCGGGTGAGAGTGGCGGGGTCGGCGCAGTTGGGCTCCGCGC[C>G]GTGGAGCAGCAGCAGCTCCGCCACTCGGGCGCTGCCCATCATCATGACCTGCCAGAGAGA-3'
Protein context (NP_000068.1, residues 57-77): ARVAELLLLH[Gly67Arg]AEPNCADPAT

ClinVar aggregate classification (germline): Conflicting classifications of pathogenicity. Review status: criteria provided, conflicting classifications (1 of 4 stars). 6 submissions from 6 submitters: Likely pathogenic (2); Uncertain significance (3). 1 of the submissions does not count toward it. Last evaluated 2025-07-15.

Conditions:
CDKN2A-related disorder. Also called: CDKN2A-related condition.
Familial melanoma. Also called: Hereditary melanoma; Hereditary cutaneous melanoma. Identifiers: Orphanet 618, MedGen C1512419, MONDO:0018961.
Hereditary cancer-predisposing syndrome. Also called: Neoplastic Syndromes, Hereditary; Tumor predisposition; Hereditary Cancer Syndrome; Hereditary neoplastic syndrome. Identifiers: Orphanet 140162, MedGen C0027672, MeSH D009386, MONDO:0015356.
Melanoma and neural system tumor syndrome. Also called: MELANOMA-ASTROCYTOMA SYNDROME. Identifiers: Orphanet 252206, MedGen C1835042, MONDO:0007967, OMIM 155755.

gnomAD v4.1: 4 of 1,594,888 alleles (0.00025%); highest among the groups gnomAD compares: Admixed American, 0.0017%; no homozygotes.

Submissions (6):

Labcorp Genetics (formerly Invitae), Labcorp
Classification: Uncertain significance for Familial melanoma. Last evaluated: 2025-07-15. Review status: criteria provided, single submitter. Criteria: Invitae Variant Classification Sherloc (09022015). Collection method: clinical testing. Allele origin: germline.
Comment: The CDKN2A gene encodes two different proteins, p16INK4a and p14ARF, which are translated from alternative transcripts with different open reading frames. Both transcripts have been analyzed. We report either the variant with the higher classification or default to the CDKN2A (p16INK4a) variant. This report therefore includes the details for the CDKN2A (p16INK4a) variant. This sequence change replaces glycine, which is neutral and non-polar, with arginine, which is basic and polar, at codon 67 of the CDKN2A (p16INK4a) protein (p.Gly67Arg). This variant is present in population databases (no rsID available, gnomAD 0.003%). This missense change has been observed in individual(s) with cutaneous melanoma and/or pancreatic cancer, however it does not appear to segregate with disease in at lease one of these families (PMID: 10390011, 15146471, 16307646, 16905682, 17047042, 19260062, 21462282, 21507037, 22368299, 22841127). This variant is also known as c.242G>C (p.Arg81Pro) in the p14ARF transcript. ClinVar contains an entry for this variant (Variation ID: 216272). An algorithm developed to predict the effect of missense changes on protein structure and function (PolyPhen-2) suggests that this variant is likely to be disruptive. Experimental studies are conflicting or provide insufficient evidence to determine the effect of this variant on CDKN2A (p16INK4a) function (PMID: 19260062, 35001868). In summary, the available evidence is currently insufficient to determine the role of this variant in disease. Therefore, it has been classified as a Variant of Uncertain Significance.

Ambry Genetics
Classification: Likely pathogenic for Hereditary cancer-predisposing syndrome. Last evaluated: 2025-02-25. Review status: criteria provided, single submitter. Criteria: Ambry Variant Classification Scheme 2023. Collection method: clinical testing. Allele origin: germline.
Comment: The p.G67R variant (also known as c.199G>C), located in coding exon 2 of the CDKN2A gene, results from a G to C substitution at nucleotide position 199. The glycine at codon 67 is replaced by arginine, an amino acid with dissimilar properties. The p.G67 residue lies within a highly conserved region adjacent to the helix-turn-helix motif generated by the 2nd ankyrin repeat. This alteration has been reported in multiple individuals and families with melanoma and/or pancreatic cancer (Newton Bishop JA et al. Br. J. Cancer 1999 Apr; 80(1-2):295-300; Ghiorzo P et al. J. Med. Genet. 2012 Mar; 49(3):164-70; Kannengiesser C et al. Hum. Mutat. 2009 Apr; 30(4):564-74; De Simone P et al. Int J Mol Sci 2020 Dec;21(24); Lang J et al. Br J Dermatol 2005 Dec;153(6):1121-5). This alteration has been observed in at least one individual with a personal and/or family history that is consistent with CDKN2A-related disease (Ambry internal data). A CDK4 binding assay demonstrated reduced binding activity for p.G67R at approximately 60% (Kannengiesser C et al. Hum Mutat. 2009 Apr;30(4):564-74), however assays of cellular proliferation have reported this variant as inconclusive or neutral (Miller PJ et al. Hum. Mutat. 2011 Aug; 32(8):900-11; Kimura H et al. Elife. 2022 Jan;11). Bayesian calculations by Miller et al. suggest that this alteration is a likely pathogenic variant. Based on internal structural analysis, p.G67R is structurally destabilizing (Ambry internal data). This amino acid position is highly conserved in available vertebrate species. In addition, this alteration is predicted to be deleterious by in silico analysis. Based on the majority of available evidence to date, this variant is likely to be pathogenic.

Blueprint Genetics
Classification: Uncertain significance. Last evaluated: 2024-09-16. Review status: criteria provided, single submitter. Criteria: ACMG Guidelines, 2015. Collection method: clinical testing. Allele origin: germline.

Baylor Genetics
Classification: Uncertain significance for Melanoma and neural system tumor syndrome. Last evaluated: 2024-03-08. Review status: criteria provided, single submitter. Criteria: ACMG Guidelines, 2015. Collection method: clinical testing. Allele origin: unknown.

Color Diagnostics, LLC DBA Color Health
Classification: Likely pathogenic for Hereditary cancer-predisposing syndrome. Last evaluated: 2023-01-31. Review status: criteria provided, single submitter. Criteria: ACMG Guidelines, 2015. Collection method: clinical testing. Allele origin: germline.
Comment: The CDKN2A locus encodes two different gene products, p16INK4a and p14ARF. This missense variant replaces glycine with arginine at codon 67 of the CDKN2A (p16INK4A) protein. Computational prediction suggests that this variant may have deleterious impact on protein structure and function (internally defined REVEL score threshold >= 0.7, PMID: 27666373). Functional studies have reported inconclusive results with the mutant protein showing partial loss of CDK4 binding activity and normal to moderately impaired cell cycle control (PMID: 19260062, 21462282, 33322357). This variant has been reported in seven individuals with melanoma with positive family history of melanoma or pancreatic cancer (PMID: 10390011, 19260062, 21462282, 33322357) and in an individual with familial pancreatic cancer (PMID: 22368299). This variant is rare in the general population and has been identified in 1/213440 chromosomes in the general population by the Genome Aggregation Database (gnomAD). Although the impact of this variant on p16INK4a protein function is not clearly understood, the available clinical evidence indicates that this variant is likely disease-causing. Therefore, this variant is classified as Likely Pathogenic.

PreventionGenetics, part of Exact Sciences
Classification: Likely pathogenic for CDKN2A-related condition. Last evaluated: 2024-02-23. Review status: no assertion criteria provided. Collection method: clinical testing. Allele origin: germline. Not counted in ClinVar's aggregate classification.
Comment: The CDKN2A c.199G>C variant is predicted to result in the amino acid substitution p.Gly67Arg. This variant has been reported in multiple individuals with melanoma (Figure 1, Newton Bishop et al. 1999. PubMed ID: 10390011; Table 1, Kannengiesser et al. 2009. PubMed ID: 19260062) and it has also been reported with a CDKN2A loss-of-function variant in a family with pancreatic cancer and melanoma (Table 2, Ghiorzo et al. 2012. PubMed ID: 22368299). This variant is reported in 0.0030% of alleles in individuals of Latino descent in gnomAD. The results of functional studies of this variant have been inconclusive (Figure 2, Kannengiesser et al. 2009. PubMed ID: 19260062; Figure S3, Kimura et al. 2022. PubMed ID: 35001868). This variant is interpreted as likely pathogenic by two submitters and as uncertain by the third submitter. In summary, this variant is interpreted as likely pathogenic.

Literature cited by the submitters: PubMed 10390011 (cited by 3 submitters); PubMed 15146471 (cited by Labcorp Genetics (formerly Invitae), Labcorp and Ambry Genetics); PubMed 16307646 (cited by Labcorp Genetics (formerly Invitae), Labcorp); PubMed 16905682 (cited by Labcorp Genetics (formerly Invitae), Labcorp); PubMed 17047042 (cited by Labcorp Genetics (formerly Invitae), Labcorp); PubMed 19260062 (cited by 3 submitters); PubMed 21462282 (cited by 3 submitters); PubMed 21507037 (cited by Labcorp Genetics (formerly Invitae), Labcorp); PubMed 22368299 (cited by 3 submitters); PubMed 22841127 (cited by Labcorp Genetics (formerly Invitae), Labcorp); PubMed 35001868 (cited by Labcorp Genetics (formerly Invitae), Labcorp and Ambry Genetics); PubMed 33322357 (cited by Color Diagnostics, LLC DBA Color Health).